The following is an entry in ClinVar:

ClinVar aggregate classification (germline): Uncertain significance. Review status: criteria provided, multiple submitters, no conflicts (2 of 4 stars). 2 submissions from 2 submitters: Uncertain significance (2). Last evaluated 2025-07-07.

Conditions:
COL11A2-related disorder. Also called: COL11A2-related disorders; COL11A2-related condition.

Allele frequency attached by ClinVar (database versions not stated): gnomAD 0.00003 and 0.00004; TOPMed 0.00003.
gnomAD v4.1: 8 of 1,614,070 alleles (0.0005%); highest among the groups gnomAD compares: African/African-American, 0.0067%; no homozygotes.

Submissions (2):

PreventionGenetics, part of Exact Sciences
Classification: Uncertain significance for COL11A2-related condition. Last evaluated: 2025-07-07. Review status: criteria provided, single submitter. Criteria: ACMG Guidelines, 2015. Collection method: clinical testing. Allele origin: germline.
Comment: The COL11A2 c.431T>C variant is predicted to result in the amino acid substitution p.Leu144Pro. To our knowledge, this variant has not been reported in the literature. This variant is reported in 0.023% of alleles in individuals of African descent in gnomAD. At this time, the clinical significance of this variant is uncertain due to the absence of conclusive functional and genetic evidence.

Labcorp Genetics (formerly Invitae), Labcorp
Classification: Uncertain significance. Last evaluated: 2023-12-31. Review status: criteria provided, single submitter. Criteria: Invitae Variant Classification Sherloc (09022015). Collection method: clinical testing. Allele origin: germline.
Comment: This sequence change replaces leucine, which is neutral and non-polar, with proline, which is neutral and non-polar, at codon 144 of the COL11A2 protein (p.Leu144Pro). This variant is present in population databases (no rsID available, gnomAD 0.02%). This variant has not been reported in the literature in individuals affected with COL11A2-related conditions. ClinVar contains an entry for this variant (Variation ID: 1425179). Advanced modeling of protein sequence and biophysical properties (such as structural, functional, and spatial information, amino acid conservation, physicochemical variation, residue mobility, and thermodynamic stability) performed at Invitae indicates that this missense variant is not expected to disrupt COL11A2 protein function with a negative predictive value of 95%. In summary, the available evidence is currently insufficient to determine the role of this variant in disease. Therefore, it has been classified as a Variant of Uncertain Significance.

NM_080680.3(COL11A2):c.431T>C (p.Leu144Pro)

Gene: COL11A2 (collagen type XI alpha 2 chain; minus strand). Cytogenetic location: 6p21.32.
Variant type: single nucleotide variant.
Coding change: c.431T>C on transcript NM_080680.3 (MANE Select); coding-DNA position 431, T replaced by C.
Protein change: p.Leu144Pro; replaces leucine 144 with proline.
Molecular consequence: missense variant.
Genome position (GRCh38, 1-based): chr6:33,188,990, A>G on the plus strand (T>C on the coding strand, the complement: COL11A2 is on the minus strand). VCF-style: chr6-33188990-A-G. GRCh37 (hg19) VCF-style: chr6-33156767-A-G.
Other names: c.431T>C, p.Leu144Pro (NM_001163771.2, NM_080679.3, NM_080681.3); c.431T>C (NM_080680.2); short protein forms L144P.
Identifiers: ClinVar variation 1425179 (VCV001425179.9), dbSNP rs922135487, ClinGen allele CA137054123.